The following is an entry in ClinVar:

NM_198253.3(TERT):c.2654+1G>C

Gene: TERT (telomerase reverse transcriptase; minus strand). Cytogenetic location: 5p15.33.
Variant type: single nucleotide variant.
Coding change: c.2654+1G>C on transcript NM_198253.3 (MANE Select); the canonical splice donor site of the intron after coding-DNA position 2654, G replaced by C.
Molecular consequence: splice donor variant.
Genome position (GRCh38, 1-based): chr5:1,266,463, C>G on the plus strand (G>C on the coding strand, the complement: TERT is on the minus strand). VCF-style: chr5-1266463-C-G. GRCh37 (hg19) VCF-style: chr5-1266578-C-G.
Other names: c.2654+1G>C (NM_001193376.3).
Identifiers: ClinVar variation 2950701 (VCV002950701.3), dbSNP rs1299344520, ClinGen allele CA359073060.

ClinVar aggregate classification (germline): Likely pathogenic (1 of 4 stars; one submission).

Conditions:
Dyskeratosis congenita, autosomal dominant 2. Identifiers: MedGen C3151443, MONDO:0013521, OMIM 613989.
Idiopathic Pulmonary Fibrosis. Also called: Idiopathic fibrosing alveolitis, chronic form; idiopathic fibrosing alveolitis. Identifiers: Orphanet 2032, MedGen C1800706, MeSH D054990, MONDO:0800504.

Submission:

Labcorp Genetics (formerly Invitae), Labcorp
Classification: Likely pathogenic for Dyskeratosis congenita, autosomal dominant 2; Idiopathic Pulmonary Fibrosis. Last evaluated: 2023-08-05. Review status: criteria provided, single submitter. Criteria: Invitae Variant Classification Sherloc (09022015). Collection method: clinical testing. Allele origin: germline.
Comment: This sequence change affects a donor splice site in intron 10 of the TERT gene. It is expected to disrupt RNA splicing. Variants that disrupt the donor or acceptor splice site typically lead to a loss of protein function (PMID: 16199547), and loss-of-function variants in TERT are known to be pathogenic (PMID: 16247010, 17460043). This variant is not present in population databases (gnomAD no frequency). This variant has not been reported in the literature in individuals affected with TERT-related conditions. Algorithms developed to predict the effect of sequence changes on RNA splicing suggest that this variant may disrupt the consensus splice site. In summary, the currently available evidence indicates that the variant is pathogenic, but additional data are needed to prove that conclusively. Therefore, this variant has been classified as Likely Pathogenic.

Literature cited by the submitters: PubMed 16199547; PubMed 16247010; PubMed 17460043.